The following is an entry in ClinVar:

ClinVar aggregate classification (germline): Benign/Likely benign. Review status: criteria provided, multiple submitters, no conflicts (2 of 4 stars). 4 submissions from 4 submitters: Benign (2); Likely benign (2). Last evaluated 2026-04-01.

Conditions:
Microphthalmia, syndromic 9. Also called: Matthew-Wood syndrome; PULMONARY AGENESIS, MICROPHTHALMIA, AND DIAPHRAGMATIC DEFECT; SPEAR SYNDROME; ANOPHTHALMIA, CLINICAL, WITH MILD FACIAL DYSMORPHISM AND VARIABLE MALFORMATIONS OF THE LUNG, HEART, AND DIAPHRAGM; ANOPHTHALMIA/MICROPHTHALMIA AND PULMONARY HYPOPLASIA. Identifiers: Orphanet 2470, MedGen C1832661, MONDO:0011010, OMIM 601186.

Allele frequency attached by ClinVar (database versions not stated): 1000 Genomes Project 0.00240; 1000 Genomes Project 30x 0.00328; gnomAD exomes 0.00612 and 0.00900; ExAC 0.00619; gnomAD 0.00646 and 0.00660; TOPMed 0.00694; ESP Exome Variant Server 0.00708.
gnomAD v4.1: 13,931 of 1,600,784 alleles (0.87%); highest among the groups gnomAD compares: Non-Finnish European, 1.1%; 82 homozygotes.

Submissions (4):

CeGaT Center for Human Genetics Tuebingen
Classification: Benign. Last evaluated: 2026-04-01. Review status: criteria provided, single submitter. Criteria: CeGaT Center For Human Genetics Tuebingen Variant Classification Criteria Version 2. Collection method: clinical testing. Allele origin: germline. Affected: yes. Observed: 9 variant alleles.
Comment: STRA6: BS1, BS2

Labcorp Genetics (formerly Invitae), Labcorp
Classification: Benign for Microphthalmia, syndromic 9. Last evaluated: 2026-01-05. Review status: criteria provided, single submitter. Criteria: Invitae Variant Classification Sherloc (09022015). Collection method: clinical testing. Allele origin: germline.

Illumina Laboratory Services, Illumina
Classification: Likely benign for Microphthalmia, syndromic 9. Last evaluated: 2018-01-12. Review status: criteria provided, single submitter. Criteria: ICSL Variant Classification Criteria 13 December 2019. Collection method: clinical testing. Allele origin: germline.
Comment: This variant was observed in the ICSL laboratory as part of a predisposition screen in an ostensibly healthy population. It had not been previously curated by ICSL or reported in the Human Gene Mutation Database (HGMD: prior to June 1st, 2018), and was therefore a candidate for classification through an automated scoring system. Utilizing variant allele frequency, disease prevalence and penetrance estimates, and inheritance mode, an automated score was calculated to assess if this variant is too frequent to cause the disease. Based on the score and internal cut-off values, a variant classified as likely benign is not then subjected to further curation. The score for this variant resulted in a classification of likely benign for this disease.

Breakthrough Genomics
Classification: Likely benign. Review status: criteria provided, single submitter. Criteria: ACMG Guidelines, 2015. Collection method: not provided. Allele origin: germline. Inheritance: Autosomal recessive inheritance. Affected: yes.

NM_022369.4(STRA6):c.1840+12C>T

Gene: STRA6 (signaling receptor and transporter of retinol STRA6; minus strand). Cytogenetic location: 15q24.1.
Variant type: single nucleotide variant.
Coding change: c.1840+12C>T on transcript NM_022369.4 (MANE Select); 12 bases into the intron after coding-DNA position 1840, C replaced by T.
Molecular consequence: intron variant.
Genome position (GRCh38, 1-based): chr15:74,180,770, G>A on the plus strand (C>T on the coding strand, the complement: STRA6 is on the minus strand). VCF-style: chr15-74180770-G-A. GRCh37 (hg19) VCF-style: chr15-74473111-G-A.
Other names: c.1951+12C>T (NM_001199040.2); c.1813+12C>T (NM_001142619.2); c.1840+12C>T (NM_001142617.2, NM_001142618.2); c.1885+12C>T (NM_001199041.2); c.1957+12C>T (NM_001199042.2).
Identifiers: ClinVar variation 317097 (VCV000317097.37), dbSNP rs118056606, ClinGen allele CA7654423.
Genomic context (GRCh38, chr15:74,180,770, plus strand): 5'-GGGAGGGGCACACATCCTTCCTAGAAGAAGCTGGGTAGGCTCTATTCCCCCATTCCCAGT[G>A]GGAGGGCGCACCTTCGTCTTCCTCCCCTGGTCTGAGGCTGTCCTGGGGGGCTGCCATGGT-3'